The following is an entry in ClinVar:

NM_001353921.2(ARHGEF9):c.415C>T (p.Gln139Ter)

Gene: ARHGEF9 (Cdc42 guanine nucleotide exchange factor 9; minus strand). Cytogenetic location: Xq11.1.
Variant type: single nucleotide variant.
Coding change: c.415C>T on transcript NM_001353921.2 (MANE Select); coding-DNA position 415, C replaced by T.
Protein change: p.Gln139Ter; replaces glutamine 139 with a stop codon.
Molecular consequence: nonsense. On other transcripts: 5 prime UTR variant (1).
Genome position (GRCh38, 1-based): chrX:63,697,292, G>A on the plus strand (C>T on the coding strand, the complement: ARHGEF9 is on the minus strand). VCF-style: chrX-63697292-G-A. GRCh37 (hg19) VCF-style: chrX-62917172-G-A.
Other names: c.235C>T, p.Gln79Ter (NM_001173479.2); c.88C>T, p.Gln30Ter (NM_001173480.2, NM_001369042.1); c.331C>T, p.Gln111Ter (NM_001330495.2, NM_001353927.2, NM_001369033.1 and 8 more transcripts); c.415C>T, p.Gln139Ter (NM_001353922.2); c.433C>T, p.Gln145Ter (NM_001353923.1); c.214C>T, p.Gln72Ter (NM_001353924.2, NM_001353926.2, NM_001369039.1 and 1 more transcripts); c.394C>T, p.Gln132Ter (NM_001353928.2, NM_001369030.1, NM_001369031.1 and 2 more transcripts); c.-21C>T (NM_001369045.1); short protein forms Q132*, Q145*, Q30*, Q79*, Q72*, Q111*, Q139*.
Identifiers: ClinVar variation 1736413 (VCV001736413.2), dbSNP rs2519844209, ClinGen allele CA413407213.

ClinVar aggregate classification (germline): Pathogenic (1 of 4 stars; one submission).

Conditions:
Inborn genetic diseases. Identifiers: MedGen C0950123, MeSH D030342.

Submission:

Ambry Genetics
Classification: Pathogenic for Inborn genetic diseases. Last evaluated: 2018-11-28. Review status: criteria provided, single submitter. Criteria: Ambry Variant Classification Scheme 2023. Collection method: clinical testing. Allele origin: germline.
Comment: The p.Q132* pathogenic mutation (also known as c.394C>T), located in coding exon 4 of the ARHGEF9 gene, results from a C to T substitution at nucleotide position 394. This changes the amino acid from a glutamine to a stop codon within coding exon 4. This alteration is expected to result in loss of function by premature protein truncation or nonsense-mediated mRNA decay. As such, this alteration is interpreted as a disease-causing mutation.